The following is an entry in ClinVar:

NM_000179.3(MSH6):c.2466C>A (p.Leu822=)

Gene: MSH6 (mutS homolog 6; plus strand). Cytogenetic location: 2p16.3.
Variant type: single nucleotide variant.
Coding change: c.2466C>A on transcript NM_000179.3 (MANE Select); coding-DNA position 2466, C replaced by A.
Protein change: p.Leu822=; no amino-acid change (leucine 822 retained).
Molecular consequence: synonymous variant. On other transcripts: non-coding transcript variant (5), intron variant (3).
Genome position (GRCh38, 1-based): chr2:47,800,449, C>A. VCF-style: chr2-47800449-C-A. GRCh37 (hg19) VCF-style: chr2-48027588-C-A.
Other names: c.2076C>A, p.Leu692= (NM_001281492.2); c.1560C>A, p.Leu520= (NM_001281493.2, NM_001281494.2, NM_001406811.1 and 6 more transcripts); c.2562C>A, p.Leu854= (NM_001406795.1, NM_001406802.1); c.2466C>A, p.Leu822= (NM_001406796.1, NM_001406798.1, NM_001406800.1 and 2 more transcripts); c.2169C>A, p.Leu723= (NM_001406797.1, NM_001406801.1, NM_001406805.1 and 10 more transcripts); c.1941C>A, p.Leu647= (NM_001406799.1, NM_001406806.1, NM_001406807.1); c.2388C>A, p.Leu796= (NM_001406804.1); c.2472C>A, p.Leu824= (NM_001406813.1); and 4 more.
Identifiers: ClinVar variation 3904484 (VCV003904484.2).

ClinVar aggregate classification (germline): Benign/Likely benign. Review status: criteria provided, multiple submitters, no conflicts (2 of 4 stars). 2 submissions from 2 submitters: Benign (1); Likely benign (1). Last evaluated 2025-11-11.

Conditions:
Hereditary nonpolyposis colorectal neoplasms. Identifiers: MedGen C0009405, MeSH D003123.
Lynch syndrome 5 (LYNCH5). Also called: Colorectal cancer, hereditary nonpolyposis, type 5; Hereditary non-polyposis colorectal cancer, type 5. Identifiers: Orphanet 144, MedGen C1833477, MONDO:0013710, OMIM 614350. Disease mechanism: loss of function.

gnomAD v4.1: 1 of 1,613,802 alleles (0.000062%); highest among the groups gnomAD compares: Non-Finnish European, 0.000085%; no homozygotes.

Submissions (2):

Labcorp Genetics (formerly Invitae), Labcorp
Classification: Likely benign for Hereditary nonpolyposis colorectal neoplasms. Last evaluated: 2025-11-11. Review status: criteria provided, single submitter. Criteria: Invitae Variant Classification Sherloc (09022015). Collection method: clinical testing. Allele origin: germline.

Myriad Genetics, Inc.
Classification: Benign for Lynch syndrome 5. Last evaluated: 2024-12-31. Review status: criteria provided, single submitter. Criteria: Myriad Autosomal Dominant, Autosomal Recessive and X-Linked Classification Criteria (2023). Collection method: clinical testing. Allele origin: unknown.
Comment: This variant is considered benign. This variant is a silent/synonymous amino acid change and it is not expected to impact splicing.